The following is an entry in ClinVar:

NM_005633.4(SOS1):c.3485C>T (p.Ala1162Val)

Gene: SOS1 (SOS Ras/Rac guanine nucleotide exchange factor 1; minus strand). Cytogenetic location: 2p22.1.
Variant type: single nucleotide variant.
Coding change: c.3485C>T on transcript NM_005633.4 (MANE Select); coding-DNA position 3485, C replaced by T.
Protein change: p.Ala1162Val; replaces alanine 1162 with valine.
Molecular consequence: missense variant.
Genome position (GRCh38, 1-based): chr2:38,987,498, G>A on the plus strand (C>T on the coding strand, the complement: SOS1 is on the minus strand). VCF-style: chr2-38987498-G-A. GRCh37 (hg19) VCF-style: chr2-39214639-G-A.
Other names: c.3464C>T, p.Ala1155Val (NM_001382394.1); c.3440C>T, p.Ala1147Val (NM_001382395.1); short protein forms A1162V, A1147V, A1155V.
Identifiers: ClinVar variation 862243 (VCV000862243.10), dbSNP rs1022820895, ClinGen allele CA45641449.

ClinVar aggregate classification (germline): Uncertain significance. Review status: criteria provided, multiple submitters, no conflicts (2 of 4 stars). 5 submissions from 5 submitters: Uncertain significance (5). Last evaluated 2026-04-29.

Conditions:
Cardiovascular phenotype. Identifiers: MedGen CN230736.
SOS1-related disorder. Also called: SOS1-related condition.
RASopathy. Also called: rasopathies; Noonan spectrum disorder. Identifiers: Orphanet 536391, MedGen C5555857, MONDO:0021060.
Noonan syndrome 4 (NS4). Also called: NOONAN SYNDROME WITH PIGMENTED VILLONODULAR SYNOVITIS; SOS1-Related Noonan Syndrome. Identifiers: Orphanet 648, MedGen C1853120, MONDO:0012547, OMIM 610733.

Allele frequency attached by ClinVar (database versions not stated): gnomAD exomes below 0.00001; TOPMed 0.00001.
gnomAD v4.1: 3 of 1,591,048 alleles (0.00019%); highest among the groups gnomAD compares: Admixed American, 0.0034%; no homozygotes.

Submissions (5):

PreventionGenetics, part of Exact Sciences
Classification: Uncertain significance for SOS1-related condition. Last evaluated: 2026-04-29. Review status: criteria provided, single submitter. Criteria: ACMG Guidelines, 2015. Collection method: clinical testing. Allele origin: germline.
Comment: The SOS1 c.3485C>T variant is predicted to result in the amino acid substitution p.Ala1162Val. To our knowledge, this variant has not been reported in the literature. This variant is reported in 3 out of 1591048 alleles in gnomAD. At this time, the clinical significance of this variant is uncertain due to the absence of conclusive functional and genetic evidence.

Labcorp Genetics (formerly Invitae), Labcorp
Classification: Uncertain significance for RASopathy. Last evaluated: 2025-12-21. Review status: criteria provided, single submitter. Criteria: Invitae Variant Classification Sherloc (09022015). Collection method: clinical testing. Allele origin: germline.
Comment: This sequence change replaces alanine, which is neutral and non-polar, with valine, which is neutral and non-polar, at codon 1162 of the SOS1 protein (p.Ala1162Val). This variant is not present in population databases (gnomAD no frequency). This variant has not been reported in the literature in individuals affected with SOS1-related conditions. ClinVar contains an entry for this variant (Variation ID: 862243). Invitae Evidence Modeling of protein sequence and biophysical properties (such as structural, functional, and spatial information, amino acid conservation, physicochemical variation, residue mobility, and thermodynamic stability) indicates that this missense variant is not expected to disrupt SOS1 protein function with a negative predictive value of 95%. In summary, the available evidence is currently insufficient to determine the role of this variant in disease. Therefore, it has been classified as a Variant of Uncertain Significance.

Ambry Genetics
Classification: Uncertain significance for Cardiovascular phenotype. Last evaluated: 2025-12-04. Review status: criteria provided, single submitter. Criteria: Ambry Variant Classification Scheme 2023. Collection method: clinical testing. Allele origin: germline.

St. Jude Molecular Pathology, St. Jude Children's Research Hospital
Classification: Uncertain significance for Noonan syndrome 4. Last evaluated: 2024-07-25. Review status: criteria provided, single submitter. Criteria: St. Jude Assertion Criteria 2020. Collection method: clinical testing. Allele origin: germline.
Comment: The SOS1 c.3485C>T (p.Ala1162Val) missense change is absent in gnomAD v2.1.1. The in silico tool REVEL predicts a benign effect on protein function, but to our knowledge this prediction has not been confirmed by functional studies. To our knowledge, this variant has not been reported in individuals with Noonan syndrome. In summary, the evidence currently available is insufficient to determine the clinical significance of this variant. It has therefore been classified as of uncertain significance.

Blueprint Genetics
Classification: Uncertain significance. Last evaluated: 2023-02-10. Review status: criteria provided, single submitter. Criteria: ACMG Guidelines, 2015. Collection method: clinical testing. Allele origin: germline.